The following is an entry in ClinVar:

NM_015627.3(LDLRAP1):c.246del (p.Lys83fs)

Gene: LDLRAP1 (low density lipoprotein receptor adaptor protein 1; plus strand). Cytogenetic location: 1p36.11.
Variant type: Deletion.
Coding change: c.246del on transcript NM_015627.3 (MANE Select); coding-DNA position 246, one base deleted (G; older notation c.246delG).
Protein change: p.Lys83fs; shifts the reading frame from lysine 83.
Molecular consequence: frameshift variant.
Genome position (GRCh38, 1-based): chr1:25,554,874, G deleted; the last of 3 consecutive G bases (chr1:25,554,872-25,554,874); deleting any one gives the same sequence. VCF-style (leftmost placement, unchanged base first): chr1-25554871-TG-T. GRCh37 (hg19) VCF-style: chr1-25881362-TG-T.
Other names: c.246delG, p.Lys83Argfs (NM_015627.2); short protein forms K83fs.
Identifiers: ClinVar variation 4815875 (VCV004815875.1).

ClinVar aggregate classification (germline): Likely pathogenic (1 of 4 stars; one submission).

Conditions:
Familial hypercholesterolemia. Also called: Familial hypercholesterolaemia. Identifiers: MedGen C0020445, MONDO:0005439.

Submission:

Natera, Inc.
Classification: Likely pathogenic for Familial hypercholesterolemia. Last evaluated: 2025-07-14. Review status: criteria provided, single submitter. Criteria: Natera Variant Classification Schema (03/2026). Collection method: clinical testing. Allele origin: germline.
Comment: The c.246del variant in LDLRAP1 is a frameshift variant predicted to shift the reading frame beginning at codon 83 and leads to a stop codon 6 codons downstream. This variant is expected to result in nonsense mediated decay, truncation, or a dysfunctional protein product. This variant is rare in the general population with a frequency below the threshold expected for the associated phenotype(s). Given the available evidence, this variant is classified as Likely Pathogenic.